The following is an entry in ClinVar:

NM_016169.4(SUFU):c.1068T>G (p.Ile356Met)

Gene: SUFU (SUFU negative regulator of hedgehog signaling; plus strand). Cytogenetic location: 10q24.32.
Variant type: single nucleotide variant.
Coding change: c.1068T>G on transcript NM_016169.4 (MANE Select); coding-DNA position 1068, T replaced by G.
Protein change: p.Ile356Met; replaces isoleucine 356 with methionine.
Molecular consequence: missense variant.
Genome position (GRCh38, 1-based): chr10:102,615,313, T>G. VCF-style: chr10-102615313-T-G. GRCh37 (hg19) VCF-style: chr10-104375070-T-G.
Other names: c.1068T>G, p.Ile356Met (NM_001178133.2); short protein forms I356M.
Identifiers: ClinVar variation 961939 (VCV000961939.11), dbSNP rs2063673886, ClinGen allele CA377913935.

ClinVar aggregate classification (germline): Uncertain significance. Review status: criteria provided, multiple submitters, no conflicts (2 of 4 stars). 2 submissions from 2 submitters: Uncertain significance (2). Last evaluated 2024-10-08.

Conditions:
Gorlin syndrome. Also called: Basal cell nevus syndrome; Nevoid Basal Cell Carcinoma Syndrome. Identifiers: Orphanet 377, MedGen C0004779, MONDO:0007187.
Medulloblastoma (MDB). Also called: MEDULLOBLASTOMA PREDISPOSITION SYNDROME; Medulloblastoma, somatic. Identifiers: Orphanet 616, MedGen C0025149, MeSH D008527, MONDO:0007959, OMIM 155255, HP:0002885.
Hereditary cancer-predisposing syndrome. Also called: Hereditary neoplastic syndrome; Tumor predisposition; Neoplastic Syndromes, Hereditary; Hereditary Cancer Syndrome. Identifiers: Orphanet 140162, MedGen C0027672, MeSH D009386, MONDO:0015356.

Submissions (2):

Ambry Genetics
Classification: Uncertain significance for Hereditary cancer-predisposing syndrome. Last evaluated: 2024-10-08. Review status: criteria provided, single submitter. Criteria: Ambry Variant Classification Scheme 2023. Collection method: clinical testing. Allele origin: germline.

Labcorp Genetics (formerly Invitae), Labcorp
Classification: Uncertain significance for Gorlin syndrome; Medulloblastoma. Last evaluated: 2019-10-24. Review status: criteria provided, single submitter. Criteria: Invitae Variant Classification Sherloc (09022015). Collection method: clinical testing. Allele origin: germline.
Comment: Algorithms developed to predict the effect of missense changes on protein structure and function are either unavailable or do not agree on the potential impact of this missense change (SIFT: "Deleterious"; PolyPhen-2: "Benign"; Align-GVGD: "Class C0"). This variant has not been reported in the literature in individuals with SUFU-related conditions. This variant is not present in population databases (ExAC no frequency). This sequence change replaces isoleucine with methionine at codon 356 of the SUFU protein (p.Ile356Met). The isoleucine residue is highly conserved and there is a small physicochemical difference between isoleucine and methionine. In summary, the available evidence is currently insufficient to determine the role of this variant in disease. Therefore, it has been classified as a Variant of Uncertain Significance.